The following is an entry in ClinVar:

NM_015331.3(NCSTN):c.892G>T (p.Ala298Ser)

Gene: NCSTN (nicastrin; plus strand). Cytogenetic location: 1q23.2.
Variant type: single nucleotide variant.
Coding change: c.892G>T on transcript NM_015331.3 (MANE Select); coding-DNA position 892, G replaced by T.
Protein change: p.Ala298Ser; replaces alanine 298 with serine.
Molecular consequence: missense variant. On other transcripts: intron variant (1).
Genome position (GRCh38, 1-based): chr1:160,352,102, G>T. VCF-style: chr1-160352102-G-T. GRCh37 (hg19) VCF-style: chr1-160321892-G-T.
Other names: c.832G>T, p.Ala278Ser (NM_001290184.2); c.892G>T, p.Ala298Ser (NM_001349729.2); c.583-785G>T (NM_001290186.2); short protein forms A278S, A298S.
Identifiers: ClinVar variation 2968431 (VCV002968431.3), dbSNP rs200800006, ClinGen allele CA1198846.

ClinVar aggregate classification (germline): Uncertain significance (1 of 4 stars; one submission).

gnomAD v4.1: 5 of 1,614,128 alleles (0.00031%); highest among the groups gnomAD compares: South Asian, 0.0033%; no homozygotes.

Submission:

Labcorp Genetics (formerly Invitae), Labcorp
Classification: Uncertain significance. Last evaluated: 2023-06-14. Review status: criteria provided, single submitter. Criteria: Invitae Variant Classification Sherloc (09022015). Collection method: clinical testing. Allele origin: germline.
Comment: Advanced modeling of protein sequence and biophysical properties (such as structural, functional, and spatial information, amino acid conservation, physicochemical variation, residue mobility, and thermodynamic stability) performed at Invitae indicates that this missense variant is not expected to disrupt NCSTN protein function. In summary, the available evidence is currently insufficient to determine the role of this variant in disease. Therefore, it has been classified as a Variant of Uncertain Significance. Algorithms developed to predict the effect of sequence changes on RNA splicing suggest that this variant may create or strengthen a splice site. This variant has not been reported in the literature in individuals affected with NCSTN-related conditions. This variant is present in population databases (rs200800006, gnomAD 0.007%). This sequence change replaces alanine, which is neutral and non-polar, with serine, which is neutral and polar, at codon 298 of the NCSTN protein (p.Ala298Ser).